The following is an entry in ClinVar:

ClinVar aggregate classification (germline): Uncertain significance (1 of 4 stars; one submission).

Conditions:
Malignant hyperthermia, susceptibility to, 5 (MHS5). Also called: CACNA1S-Related Malignant Hyperthermia Susceptibility. Identifiers: Orphanet 423, MedGen C1866077, MONDO:0011163, OMIM 601887.

Submission:

All of Us Research Program, National Institutes of Health
Classification: Uncertain significance for Malignant hyperthermia, susceptibility to, 5. Last evaluated: 2024-06-11. Review status: criteria provided, single submitter. Criteria: ACMG Guidelines, 2015. Collection method: clinical testing. Allele origin: germline. Inheritance: Autosomal dominant inheritance. Observed: 1 variant allele, 1 heterozygote.
Comment: This study involves interpretation of variants in research participants for the purpose of population health screening. Participant phenotype was not available at the time of variant classification. Additional details can be found in publication PMID: 35346344, PMCID: PMC8962531

NM_000069.3(CACNA1S):c.4098G>A (p.Met1366Ile)

Gene: CACNA1S (calcium voltage-gated channel subunit alpha1 S; minus strand). Cytogenetic location: 1q32.1.
Variant type: single nucleotide variant.
Coding change: c.4098G>A on transcript NM_000069.3 (MANE Select); coding-DNA position 4098, G replaced by A.
Protein change: p.Met1366Ile; replaces methionine 1366 with isoleucine.
Molecular consequence: missense variant.
Genome position (GRCh38, 1-based): chr1:201,050,999, C>T on the plus strand (G>A on the coding strand, the complement: CACNA1S is on the minus strand). VCF-style: chr1-201050999-C-T. GRCh37 (hg19) VCF-style: chr1-201020127-C-T.
Other names: short protein forms M1366I.
Identifiers: ClinVar variation 3386314 (VCV003386314.1).